The following is an entry in ClinVar:

ClinVar aggregate classification (germline): Uncertain significance (1 of 4 stars; one submission).

Conditions:
Combined immunodeficiency due to LRBA deficiency. Also called: Common variable immunodeficiency 8, with autoimmunity. Identifiers: Orphanet 445018, MedGen C3553512, MONDO:0013863, OMIM 614700.

Submission:

Labcorp Genetics (formerly Invitae), Labcorp
Classification: Uncertain significance for Combined immunodeficiency due to LRBA deficiency. Last evaluated: 2021-06-14. Review status: criteria provided, single submitter. Criteria: Invitae Variant Classification Sherloc (09022015). Collection method: clinical testing. Allele origin: germline.
Comment: In summary, the available evidence is currently insufficient to determine the role of this variant in disease. Therefore, it has been classified as a Variant of Uncertain Significance. Algorithms developed to predict the effect of missense changes on protein structure and function output the following: SIFT: "Tolerated"; PolyPhen-2: "Benign"; Align-GVGD: "Class C0". The glutamic acid amino acid residue is found in multiple mammalian species, suggesting that this missense change does not adversely affect protein function. These predictions have not been confirmed by published functional studies and their clinical significance is uncertain. This sequence change replaces glutamine with glutamic acid at codon 956 of the LRBA protein (p.Gln956Glu). The glutamine residue is weakly conserved and there is a small physicochemical difference between glutamine and glutamic acid. This variant is not present in population databases (ExAC no frequency). This variant has not been reported in the literature in individuals with LRBA-related conditions.

NM_001364905.1(LRBA):c.2866C>G (p.Gln956Glu)

Gene: LRBA (LPS responsive beige-like anchor protein; minus strand). Cytogenetic location: 4q31.3.
Variant type: single nucleotide variant.
Coding change: c.2866C>G on transcript NM_001364905.1 (MANE Select); coding-DNA position 2866, C replaced by G.
Protein change: p.Gln956Glu; replaces glutamine 956 with glutamic acid.
Molecular consequence: missense variant.
Genome position (GRCh38, 1-based): chr4:150,852,844, G>C on the plus strand (C>G on the coding strand, the complement: LRBA is on the minus strand). VCF-style: chr4-150852844-G-C. GRCh37 (hg19) VCF-style: chr4-151773996-G-C.
Other names: c.2866C>G, p.Gln956Glu (NM_001199282.3, NM_001367550.1, NM_006726.5); short protein forms Q956E.
Identifiers: ClinVar variation 1361097 (VCV001361097.8), dbSNP rs2126923974, ClinGen allele CA358460324.